The following is an entry in ClinVar:

ClinVar aggregate classification (germline): Likely benign (1 of 4 stars; one submission).

Submissions (2):

CeGaT Center for Human Genetics Tuebingen
Classification: Likely benign. Last evaluated: 2025-03-01. Review status: criteria provided, single submitter. Criteria: CeGaT Center For Human Genetics Tuebingen Variant Classification Criteria Version 2. Collection method: clinical testing. Allele origin: germline. Affected: yes. Observed: 2 variant alleles.
Comment: STAG2: BP4, BP7

Dr. Peter K. Rogan Lab, Western University
No classification provided (evidence only). Condition: Thyroid cancer, nonmedullary, 1. Review status: no classification provided. Collection method: in vitro. Allele origin: not applicable. Functional consequence: retained intron. Not counted in ClinVar's aggregate classification.

NM_001042750.2(STAG2):c.561A>G (p.Gln187=)

Gene: STAG2 (STAG2 cohesin complex component; plus strand). Cytogenetic location: Xq25.
Variant type: single nucleotide variant.
Coding change: c.561A>G on transcript NM_001042750.2 (MANE Select); coding-DNA position 561, A replaced by G.
Protein change: p.Gln187=; no amino-acid change (glutamine 187 retained).
Molecular consequence: synonymous variant.
Genome position (GRCh38, 1-based): chrX:124,045,262, A>G. VCF-style: chrX-124045262-A-G. GRCh37 (hg19) VCF-style: chrX-123179112-A-G.
Other names: NC_000023.10:g.123179112A>G; c.561A>G, p.Gln187= (NM_001375372.1, NM_001375373.1, NM_001375374.1 and 13 more transcripts).
Identifiers: ClinVar variation 3389370 (VCV003389370.15).